The following is an entry in ClinVar:

NM_022726.4(ELOVL4):c.79C>T (p.Arg27Cys)

Gene: ELOVL4 (ELOVL fatty acid elongase 4; minus strand). Cytogenetic location: 6q14.1.
Variant type: single nucleotide variant.
Coding change: c.79C>T on transcript NM_022726.4 (MANE Select); coding-DNA position 79, C replaced by T.
Protein change: p.Arg27Cys; replaces arginine 27 with cysteine.
Molecular consequence: missense variant.
Genome position (GRCh38, 1-based): chr6:79,947,201, G>A on the plus strand (C>T on the coding strand, the complement: ELOVL4 is on the minus strand). VCF-style: chr6-79947201-G-A. GRCh37 (hg19) VCF-style: chr6-80656918-G-A.
Other names: short protein forms R27C.
Identifiers: ClinVar variation 1392834 (VCV001392834.8), dbSNP rs764013020, ClinGen allele CA3901638.

ClinVar aggregate classification (germline): Uncertain significance (1 of 4 stars; one submission).

Allele frequency attached by ClinVar (database versions not stated): gnomAD exomes below 0.00001.
gnomAD v4.1: 1 of 1,612,948 alleles (0.000062%); highest among the groups gnomAD compares: African/African-American, 0.0013%; no homozygotes.

Submission:

Labcorp Genetics (formerly Invitae), Labcorp
Classification: Uncertain significance. Last evaluated: 2024-02-24. Review status: criteria provided, single submitter. Criteria: Invitae Variant Classification Sherloc (09022015). Collection method: clinical testing. Allele origin: germline.
Comment: This sequence change replaces arginine, which is basic and polar, with cysteine, which is neutral and slightly polar, at codon 27 of the ELOVL4 protein (p.Arg27Cys). This variant is present in population databases (rs764013020, gnomAD 0.006%). This variant has not been reported in the literature in individuals affected with ELOVL4-related conditions. ClinVar contains an entry for this variant (Variation ID: 1392834). An algorithm developed to predict the effect of missense changes on protein structure and function (PolyPhen-2) suggests that this variant is likely to be disruptive. In summary, the available evidence is currently insufficient to determine the role of this variant in disease. Therefore, it has been classified as a Variant of Uncertain Significance.